The following is an entry in ClinVar:

ClinVar aggregate classification (germline): Uncertain significance (1 of 4 stars; one submission).

gnomAD v4.1: 1 of 1,613,878 alleles (0.000062%); highest among the groups gnomAD compares: South Asian, 0.0011%; no homozygotes.

Submission:

Labcorp Genetics (formerly Invitae), Labcorp
Classification: Uncertain significance. Last evaluated: 2024-02-24. Review status: criteria provided, single submitter. Criteria: Invitae Variant Classification Sherloc (09022015). Collection method: clinical testing. Allele origin: germline.
Comment: This sequence change replaces proline, which is neutral and non-polar, with alanine, which is neutral and non-polar, at codon 762 of the PCLO protein (p.Pro762Ala). This variant is not present in population databases (gnomAD no frequency). This variant has not been reported in the literature in individuals affected with PCLO-related conditions. ClinVar contains an entry for this variant (Variation ID: 1483348). Experimental studies and prediction algorithms are not available or were not evaluated, and the functional significance of this variant is currently unknown. In summary, the available evidence is currently insufficient to determine the role of this variant in disease. Therefore, it has been classified as a Variant of Uncertain Significance.

NM_033026.6(PCLO):c.2284C>G (p.Pro762Ala)

Gene: PCLO (piccolo presynaptic cytomatrix protein; minus strand). Cytogenetic location: 7q21.11.
Variant type: single nucleotide variant.
Coding change: c.2284C>G on transcript NM_033026.6 (MANE Select); coding-DNA position 2284, C replaced by G.
Protein change: p.Pro762Ala; replaces proline 762 with alanine.
Molecular consequence: missense variant.
Genome position (GRCh38, 1-based): chr7:83,135,266, G>C on the plus strand (C>G on the coding strand, the complement: PCLO is on the minus strand). VCF-style: chr7-83135266-G-C. GRCh37 (hg19) VCF-style: chr7-82764582-G-C.
Other names: c.2284C>G, p.Pro762Ala (NM_014510.3); short protein forms P762A.
Identifiers: ClinVar variation 1483348 (VCV001483348.6), dbSNP rs2116618391, ClinGen allele CA367903287.
Genomic context (GRCh38, chr7:83,135,266, plus strand): 5'-TGGAGCTTGGAATATCAGGTTTTGTTGTTGCTGATGATGAAGATACAAGGTCAGTGGTTG[G>C]CTTTACCATCTTGGGCTGCTTTGGTTTATCATCAGCAACAGGGGCCTTGTCCTGCTCAGA-3'
Protein context (NP_149015.2, residues 752-772): DKPKQPKMVK[Pro762Ala]TTDLVSSSSA